The following is an entry in ClinVar:

ClinVar aggregate classification (germline): Likely benign. Review status: criteria provided, multiple submitters, no conflicts (2 of 4 stars). 2 submissions from 2 submitters: Likely benign (2). Last evaluated 2025-10-14.

Conditions:
Dilated cardiomyopathy 1O (CMD1O). Also called: CARDIOMYOPATHY, DILATED, WITH VENTRICULAR TACHYCARDIA. Identifiers: Orphanet 154, MedGen C1837839, MONDO:0012062, OMIM 608569.

Allele frequency attached by ClinVar (database versions not stated): gnomAD exomes below 0.00001; TOPMed below 0.00001; gnomAD 0.00003 and 0.00004.

Submissions (2):

Labcorp Genetics (formerly Invitae), Labcorp
Classification: Likely benign for Dilated cardiomyopathy 1O. Last evaluated: 2025-10-14. Review status: criteria provided, single submitter. Criteria: Invitae Variant Classification Sherloc (09022015). Collection method: clinical testing. Allele origin: germline.

GeneDx
Classification: Likely benign. Last evaluated: 2017-10-02. Review status: criteria provided, single submitter. Criteria: GeneDx Variant Classification (06012015). Collection method: clinical testing. Allele origin: germline. Affected: yes.
Comment: This variant is considered likely benign or benign based on one or more of the following criteria: it is a conservative change, it occurs at a poorly conserved position in the protein, it is predicted to be benign by multiple in silico algorithms, and/or has population frequency not consistent with disease.

NM_020297.4(ABCC9):c.3567-19_3567-13del

Genes: ABCC9 (ATP binding cassette subfamily C member 9; minus strand), KCNJ8-AS1 (KCNJ8 antisense RNA 1; plus strand). Cytogenetic location: 12p12.1.
Variant type: Deletion.
Coding change: c.3567-19_3567-13del on transcript NM_020297.4 (MANE Select); 19 bases into the intron before coding-DNA position 3567 through 13 bases into the intron before coding-DNA position 3567, 7 bases deleted (GTGTTTT; older notation c.3567-19_3567-13delGTGTTTT).
Molecular consequence: intron variant.
Genome position (GRCh38, 1-based): chr12:21,829,073-21,829,079, AAAACAC deleted on the plus strand (GTGTTTT on the coding strand, the reverse complement: ABCC9 is on the minus strand). VCF-style (leftmost placement, unchanged base first): chr12-21829072-AAAAACAC-A. GRCh37 (hg19) VCF-style: chr12-21982006-AAAAACAC-A.
Other names: c.2700-19_2700-13del (NM_001377274.1); c.3567-19_3567-13del (NM_005691.4, NM_001377273.1).
Identifiers: ClinVar variation 512453 (VCV000512453.5), dbSNP rs1177684407, ClinGen allele CA603680939.